The following is an entry in ClinVar:

ClinVar aggregate classification (germline): Uncertain significance. Review status: criteria provided, multiple submitters, no conflicts (2 of 4 stars). 5 submissions from 5 submitters: Uncertain significance (5). Last evaluated 2025-05-25.

Conditions:
Cardiovascular phenotype. Identifiers: MedGen CN230736.
Dilated cardiomyopathy 1W (CMD1W). Identifiers: Orphanet 154, MedGen C1969639, MONDO:0012667, OMIM 611407.
Hypertrophic cardiomyopathy 15. Identifiers: MedGen C2750459, MONDO:0013200, OMIM 613255.

Allele frequency attached by ClinVar (database versions not stated): gnomAD exomes below 0.00001 and 0.00002; gnomAD 0.00001; TOPMed 0.00001; ExAC 0.00002.
gnomAD v4.1: 23 of 1,612,286 alleles (0.0014%); highest among the groups gnomAD compares: Non-Finnish European, 0.002%; no homozygotes.

Submissions (5):

Labcorp Genetics (formerly Invitae), Labcorp
Classification: Uncertain significance for Dilated cardiomyopathy 1W. Last evaluated: 2025-05-25. Review status: criteria provided, single submitter. Criteria: Invitae Variant Classification Sherloc (09022015). Collection method: clinical testing. Allele origin: germline.
Comment: This sequence change replaces lysine, which is basic and polar, with glutamine, which is neutral and polar, at codon 80 of the VCL protein (p.Lys80Gln). This variant is present in population databases (rs775532257, gnomAD 0.002%). This missense change has been observed in individual(s) with dilated cardiomyopathy (internal data). ClinVar contains an entry for this variant (Variation ID: 496423). An algorithm developed to predict the effect of missense changes on protein structure and function (PolyPhen-2) suggests that this variant is likely to be disruptive. In summary, the available evidence is currently insufficient to determine the role of this variant in disease. Therefore, it has been classified as a Variant of Uncertain Significance.

GeneDx
Classification: Uncertain significance. Last evaluated: 2022-04-26. Review status: criteria provided, single submitter. Criteria: GeneDx Variant Classification Process June 2021. Collection method: clinical testing. Allele origin: germline. Affected: yes.
Comment: Has not been previously published as pathogenic or benign to our knowledge; Not observed at significant frequency in large population cohorts (gnomAD); In silico analysis supports that this missense variant does not alter protein structure/function

Fulgent Genetics
Classification: Uncertain significance for Dilated cardiomyopathy 1W; Hypertrophic cardiomyopathy 15. Last evaluated: 2021-10-12. Review status: criteria provided, single submitter. Criteria: ACMG Guidelines, 2015. Collection method: clinical testing. Allele origin: unknown.

Ambry Genetics
Classification: Uncertain significance for Cardiovascular phenotype. Last evaluated: 2021-05-27. Review status: criteria provided, single submitter. Criteria: Ambry Variant Classification Scheme 2023. Collection method: clinical testing. Allele origin: germline.
Comment: The p.K80Q variant (also known as c.238A>C), located in coding exon 2 of the VCL gene, results from an A to C substitution at nucleotide position 238. The lysine at codon 80 is replaced by glutamine, an amino acid with similar properties. This amino acid position is highly conserved in available vertebrate species. In addition, this alteration is predicted to be tolerated by in silico analysis. Since supporting evidence is limited at this time, the clinical significance of this alteration remains unclear.

Women's Health and Genetics/Laboratory Corporation of America, LabCorp
Classification: Uncertain significance. Last evaluated: 2017-03-28. Review status: criteria provided, single submitter. Criteria: LabCorp Variant Classification Summary - May 2015. Collection method: clinical testing. Allele origin: germline.
Comment: Variant summary: The VCL c.238A>C (p.Lys80Gln) variant involves the alteration of a conserved nucleotide that 2/4 in silico tools (SNPs&GO not captured due to low reliability index) predict a benign outcome, although these predictions have yet to be functionally assessed. The variant of interest was observed in the large, broad control population, ExAC, with an allele frequency of 2/121158 (1/60579), which does not exceed the estimated maximal expected allele frequency for a pathogenic VCL variant of 1/40000. The variant of interest has not, to our knowledge, been reported in affected individuals via publications and/or clinical diagnostic laboratories; nor evaluated for functional impact by in vivo/vitro studies. Because of the absence of clinical information and the lack of functional studies, the variant is classified as a "Variant of Uncertain Significance (VUS)," until additional information becomes available.

NM_014000.3(VCL):c.238A>C (p.Lys80Gln)

Gene: VCL (vinculin; plus strand). Cytogenetic location: 10q22.2.
Variant type: single nucleotide variant.
Coding change: c.238A>C on transcript NM_014000.3 (MANE Select); coding-DNA position 238, A replaced by C.
Protein change: p.Lys80Gln; replaces lysine 80 with glutamine.
Molecular consequence: missense variant.
Genome position (GRCh38, 1-based): chr10:74,043,152, A>C. VCF-style: chr10-74043152-A-C. GRCh37 (hg19) VCF-style: chr10-75802910-A-C.
Other names: c.238A>C, p.Lys80Gln (NM_003373.4); short protein forms K80Q.
Identifiers: ClinVar variation 496423 (VCV000496423.11), dbSNP rs775532257, ClinGen allele CA5562728.